The following is an entry in ClinVar:

NM_000031.6(ALAD):c.589A>C (p.Ser197Arg)

Gene: ALAD (aminolevulinate dehydratase; minus strand). Cytogenetic location: 9q32.
Variant type: single nucleotide variant.
Coding change: c.589A>C on transcript NM_000031.6 (MANE Select); coding-DNA position 589, A replaced by C.
Protein change: p.Ser197Arg; replaces serine 197 with arginine.
Molecular consequence: missense variant.
Genome position (GRCh38, 1-based): chr9:113,389,810, T>G on the plus strand (A>C on the coding strand, the complement: ALAD is on the minus strand). VCF-style: chr9-113389810-T-G. GRCh37 (hg19) VCF-style: chr9-116152090-T-G.
Other names: p.Ser197Arg; c.676A>C, p.Ser226Arg (NM_001003945.3); c.565A>C, p.Ser189Arg (NM_001317745.2); c.589A>C (NM_000031.5); short protein forms S189R, S197R, S226R.
Identifiers: ClinVar variation 2189391 (VCV002189391.8), dbSNP rs762540635, ClinGen allele CA5196439.

ClinVar aggregate classification (germline): Uncertain significance. Review status: criteria provided, multiple submitters, no conflicts (2 of 4 stars). 5 submissions from 5 submitters: Uncertain significance (5). Last evaluated 2025-12-04.

Conditions:
Inborn genetic diseases. Identifiers: MedGen C0950123, MeSH D030342.
ALAD-related disorder. Also called: ALAD-related condition.

Allele frequency attached by ClinVar (database versions not stated): gnomAD exomes 0.00001; ExAC 0.00002; gnomAD 0.00009; TOPMed 0.00010.

Submissions (5):

Ambry Genetics
Classification: Uncertain significance for Inborn genetic diseases. Last evaluated: 2025-12-04. Review status: criteria provided, single submitter. Criteria: Ambry Variant Classification Scheme 2023. Collection method: clinical testing. Allele origin: germline.

PreventionGenetics, part of Exact Sciences
Classification: Uncertain significance for ALAD-related condition. Last evaluated: 2025-10-06. Review status: criteria provided, single submitter. Criteria: ACMG Guidelines, 2015. Collection method: clinical testing. Allele origin: germline.
Comment: The ALAD c.589A>C variant is predicted to result in the amino acid substitution p.Ser197Arg. To our knowledge, this variant has not been reported in the literature. This variant is reported in 0.024% of alleles in individuals of African descent in gnomAD. At this time, the clinical significance of this variant is uncertain due to the absence of conclusive functional and genetic evidence.

Greenwood Genetic Center Diagnostic Laboratories, Greenwood Genetic Center
Classification: Uncertain significance. Last evaluated: 2022-11-14. Review status: criteria provided, single submitter. Criteria: ACMG Guidelines, 2015. Collection method: clinical testing. Allele origin: germline. Affected: yes.
Comment: PM2, PP3

Labcorp Genetics (formerly Invitae), Labcorp
Classification: Uncertain significance. Last evaluated: 2022-09-03. Review status: criteria provided, single submitter. Criteria: Invitae Variant Classification Sherloc (09022015). Collection method: clinical testing. Allele origin: germline.
Comment: This sequence change replaces serine, which is neutral and polar, with arginine, which is basic and polar, at codon 197 of the ALAD protein (p.Ser197Arg). This variant is present in population databases (rs762540635, gnomAD 0.02%). This variant has not been reported in the literature in individuals affected with ALAD-related conditions. Algorithms developed to predict the effect of missense changes on protein structure and function are either unavailable or do not agree on the potential impact of this missense change (SIFT: "Deleterious"; PolyPhen-2: "Probably Damaging"; Align-GVGD: "Class C0"). In summary, the available evidence is currently insufficient to determine the role of this variant in disease. Therefore, it has been classified as a Variant of Uncertain Significance.

Mayo Clinic Laboratories, Mayo Clinic
Classification: Uncertain significance. Last evaluated: 2022-08-01. Review status: criteria provided, single submitter. Criteria: ACMG Guidelines, 2015. Collection method: clinical testing. Allele origin: germline. Observed: 1 variant allele.
Comment: BP5, PP3